The following is an entry in ClinVar:

NM_006904.7(PRKDC):c.4138G>T (p.Ala1380Ser)

Gene: PRKDC (protein kinase, DNA-activated, catalytic subunit; minus strand). Cytogenetic location: 8q11.21.
Variant type: single nucleotide variant.
Coding change: c.4138G>T on transcript NM_006904.7 (MANE Select); coding-DNA position 4138, G replaced by T.
Protein change: p.Ala1380Ser; replaces alanine 1380 with serine.
Molecular consequence: missense variant.
Genome position (GRCh38, 1-based): chr8:47,889,156, C>A on the plus strand (G>T on the coding strand, the complement: PRKDC is on the minus strand). VCF-style: chr8-47889156-C-A. GRCh37 (hg19) VCF-style: chr8-48801717-C-A.
Other names: c.4138G>T, p.Ala1380Ser (NM_001081640.2); short protein forms A1380S.
Identifiers: ClinVar variation 3016242 (VCV003016242.3), dbSNP rs56209904, ClinGen allele CA371146865.
Genomic context (GRCh38, chr8:47,889,156, plus strand): 5'-CACAAACATCAGGAAGATGAGCCATAACCTGGACGTCTCCGATGTTGAAACCTATGCTTG[C>A]GGGCTCACACAGCGTCTGCACCAGGACTCTCATCAGGTGTGTATTACACAAGTCCTTCTT-3'
Protein context (NP_008835.5, residues 1370-1390): RVLVQTLCEP[Ala1380Ser]SIGFNIGDVQ

ClinVar aggregate classification (germline): Uncertain significance (1 of 4 stars; one submission).

Conditions:
Severe combined immunodeficiency due to DNA-PKcs deficiency. Also called: IMMUNODEFICIENCY 26 WITH NEUROLOGIC ABNORMALITIES; Immunodeficiency 26 with or without neurologic abnormalities. Identifiers: Orphanet 317425, MedGen C4014833, MONDO:0014423, OMIM 615966.

gnomAD v4.1: 1 of 1,613,844 alleles (0.000062%); highest among the groups gnomAD compares: Non-Finnish European, 0.000085%; no homozygotes.

Submission:

Labcorp Genetics (formerly Invitae), Labcorp
Classification: Uncertain significance for Severe combined immunodeficiency due to DNA-PKcs deficiency. Last evaluated: 2025-10-01. Review status: criteria provided, single submitter. Criteria: Invitae Variant Classification Sherloc (09022015). Collection method: clinical testing. Allele origin: germline.
Comment: This sequence change replaces alanine, which is neutral and non-polar, with serine, which is neutral and polar, at codon 1380 of the PRKDC protein (p.Ala1380Ser). This variant is not present in population databases (gnomAD no frequency). This variant has not been reported in the literature in individuals affected with PRKDC-related conditions. ClinVar contains an entry for this variant (Variation ID: 3016242). Invitae Evidence Modeling of protein sequence and biophysical properties (such as structural, functional, and spatial information, amino acid conservation, physicochemical variation, residue mobility, and thermodynamic stability) indicates that this missense variant is not expected to disrupt PRKDC protein function with a negative predictive value of 80%. In summary, the available evidence is currently insufficient to determine the role of this variant in disease. Therefore, it has been classified as a Variant of Uncertain Significance.